The following is an entry in ClinVar:

NM_144631.6(ZNF513):c.1060G>T (p.Gly354Cys)

Gene: ZNF513 (zinc finger protein 513; minus strand). Cytogenetic location: 2p23.3.
Variant type: single nucleotide variant.
Coding change: c.1060G>T on transcript NM_144631.6 (MANE Select); coding-DNA position 1060, G replaced by T.
Protein change: p.Gly354Cys; replaces glycine 354 with cysteine.
Molecular consequence: missense variant.
Genome position (GRCh38, 1-based): chr2:27,378,111, C>A on the plus strand (G>T on the coding strand, the complement: ZNF513 is on the minus strand). VCF-style: chr2-27378111-C-A. GRCh37 (hg19) VCF-style: chr2-27600978-C-A.
Other names: c.1060G>T (NM_144631.5); c.874G>T, p.Gly292Cys (NM_001201459.2); short protein forms G292C, G354C.
Identifiers: ClinVar variation 3684820 (VCV003684820.3).

ClinVar aggregate classification (germline): Uncertain significance. Review status: criteria provided, multiple submitters, no conflicts (2 of 4 stars). 2 submissions from 2 submitters: Uncertain significance (2). Last evaluated 2025-09-01.

Submissions (2):

Ambry Genetics
Classification: Uncertain significance. Last evaluated: 2025-09-01. Review status: criteria provided, single submitter. Criteria: Ambry Variant Classification Scheme 2023. Collection method: clinical testing. Allele origin: germline.

Labcorp Genetics (formerly Invitae), Labcorp
Classification: Uncertain significance. Last evaluated: 2024-05-20. Review status: criteria provided, single submitter. Criteria: Invitae Variant Classification Sherloc (09022015). Collection method: clinical testing. Allele origin: germline.
Comment: This sequence change replaces glycine, which is neutral and non-polar, with cysteine, which is neutral and slightly polar, at codon 354 of the ZNF513 protein (p.Gly354Cys). This variant is present in population databases (no rsID available, gnomAD 0.003%). This variant has not been reported in the literature in individuals affected with ZNF513-related conditions. An algorithm developed to predict the effect of missense changes on protein structure and function (PolyPhen-2) suggests that this variant is likely to be disruptive. In summary, the available evidence is currently insufficient to determine the role of this variant in disease. Therefore, it has been classified as a Variant of Uncertain Significance.